The following is an entry in ClinVar:

ClinVar aggregate classification (germline): Uncertain significance (1 of 4 stars; one submission).

Allele frequency attached by ClinVar (database versions not stated): ExAC 0.00001; gnomAD exomes 0.00002 and 0.00004; TOPMed 0.00002; gnomAD 0.00003 and 0.00004.
gnomAD v4.1: 63 of 1,612,498 alleles (0.0039%); highest among the groups gnomAD compares: African/African-American, 0.0067%; no homozygotes.

Submission:

GeneDx
Classification: Uncertain significance. Last evaluated: 2023-10-02. Review status: criteria provided, single submitter. Criteria: GeneDx Variant Classification Process June 2021. Collection method: clinical testing. Allele origin: germline. Affected: yes.
Comment: Not observed at significant frequency in large population cohorts (gnomAD); In silico analysis supports that this missense variant has a deleterious effect on protein structure/function; Has not been previously published as pathogenic or benign to our knowledge

NM_001080476.3(GRXCR1):c.449G>A (p.Arg150Gln)

Gene: GRXCR1 (glutaredoxin and cysteine rich domain containing 1; plus strand). Cytogenetic location: 4p13.
Variant type: single nucleotide variant.
Coding change: c.449G>A on transcript NM_001080476.3 (MANE Select); coding-DNA position 449, G replaced by A.
Protein change: p.Arg150Gln; replaces arginine 150 with glutamine.
Molecular consequence: missense variant.
Genome position (GRCh38, 1-based): chr4:42,962,956, G>A. VCF-style: chr4-42962956-G-A. GRCh37 (hg19) VCF-style: chr4-42964973-G-A.
Other names: short protein forms R150Q.
Identifiers: ClinVar variation 1254509 (VCV001254509.4), dbSNP rs200231391, ClinGen allele CA2904407.